The following is an entry in ClinVar:

NM_001267550.2(TTN):c.82319A>G (p.Tyr27440Cys)

Genes: TTN (titin; minus strand), TTN-AS1 (TTN antisense RNA 1; plus strand). Cytogenetic location: 2q31.2.
Variant type: single nucleotide variant.
Coding change: c.82319A>G on transcript NM_001267550.2 (MANE Select); coding-DNA position 82319, A replaced by G.
Protein change: p.Tyr27440Cys; replaces tyrosine 27440 with cysteine.
Molecular consequence: missense variant.
Genome position (GRCh38, 1-based): chr2:178,563,813, T>C on the plus strand (A>G on the coding strand, the complement: TTN is on the minus strand). VCF-style: chr2-178563813-T-C. GRCh37 (hg19) VCF-style: chr2-179428540-T-C.
Other names: c.77396A>G, p.Tyr25799Cys (NM_001256850.1); c.55124A>G, p.Tyr18375Cys (NM_003319.4); c.74615A>G, p.Tyr24872Cys (NM_133378.4); c.55499A>G, p.Tyr18500Cys (NM_133432.3); c.55700A>G, p.Tyr18567Cys (NM_133437.4); short protein forms Y24872C, Y18567C, Y18500C, Y27440C, Y18375C, Y25799C.
Identifiers: ClinVar variation 1748044 (VCV001748044.2), dbSNP rs781246930, ClinGen allele CA1989089.

ClinVar aggregate classification (germline): Uncertain significance (1 of 4 stars; one submission).

Conditions:
Cardiovascular phenotype. Identifiers: MedGen CN230736.

Allele frequency attached by ClinVar (database versions not stated): gnomAD exomes below 0.00001; TOPMed below 0.00001; ExAC 0.00001.
gnomAD v4.1: 1 of 1,613,748 alleles (0.000062%); highest among the groups gnomAD compares: African/African-American, 0.0013%; no homozygotes.

Submission:

Ambry Genetics
Classification: Uncertain significance for Cardiovascular phenotype. Last evaluated: 2019-06-06. Review status: criteria provided, single submitter. Criteria: Ambry Variant Classification Scheme 2023. Collection method: clinical testing. Allele origin: germline.
Comment: The p.Y18375C variant (also known as c.55124A>G), located in coding exon 153 of the TTN gene, results from an A to G substitution at nucleotide position 55124. The tyrosine at codon 18375 is replaced by cysteine, an amino acid with highly dissimilar properties. This amino acid position is highly conserved in available vertebrate species. In addition, this alteration is predicted to be deleterious by in silico analysis. Since supporting evidence is limited at this time, the clinical significance of this alteration remains unclear.